The following is an entry in ClinVar:

NM_002361.4(MAG):c.400G>A (p.Val134Ile)

Gene: MAG (myelin associated glycoprotein; plus strand). Cytogenetic location: 19q13.12.
Variant type: single nucleotide variant.
Coding change: c.400G>A on transcript NM_002361.4 (MANE Select); coding-DNA position 400, G replaced by A.
Protein change: p.Val134Ile; replaces valine 134 with isoleucine.
Molecular consequence: missense variant.
Genome position (GRCh38, 1-based): chr19:35,295,966, G>A. VCF-style: chr19-35295966-G-A. GRCh37 (hg19) VCF-style: chr19-35786869-G-A.
Other names: c.325G>A, p.Val109Ile (NM_001199216.2); c.400G>A, p.Val134Ile (NM_080600.3); c.400G>A (NM_002361.3); short protein forms V109I, V134I.
Identifiers: ClinVar variation 1962749 (VCV001962749.6), dbSNP rs752322732, ClinGen allele CA9375990.

ClinVar aggregate classification (germline): Uncertain significance. Review status: criteria provided, multiple submitters, no conflicts (2 of 4 stars). 2 submissions from 2 submitters: Uncertain significance (2). Last evaluated 2024-03-19.

Conditions:
Hereditary spastic paraplegia 75. Also called: Spastic paraplegia 75, autosomal recessive. Identifiers: Orphanet 459056, MedGen C4225250, MONDO:0014729, OMIM 616680.
Inborn genetic diseases. Identifiers: MedGen C0950123, MeSH D030342.

Allele frequency attached by ClinVar (database versions not stated): TOPMed 0.00001; ExAC 0.00002; gnomAD 0.00003.

Submissions (2):

Ambry Genetics
Classification: Uncertain significance for Inborn genetic diseases. Last evaluated: 2024-03-19. Review status: criteria provided, single submitter. Criteria: Ambry Variant Classification Scheme 2023. Collection method: clinical testing. Allele origin: germline.

Labcorp Genetics (formerly Invitae), Labcorp
Classification: Uncertain significance for Hereditary spastic paraplegia 75. Last evaluated: 2022-08-10. Review status: criteria provided, single submitter. Criteria: Invitae Variant Classification Sherloc (09022015). Collection method: clinical testing. Allele origin: germline.
Comment: In summary, the available evidence is currently insufficient to determine the role of this variant in disease. Therefore, it has been classified as a Variant of Uncertain Significance. Algorithms developed to predict the effect of missense changes on protein structure and function output the following: SIFT: "Tolerated"; PolyPhen-2: "Benign"; Align-GVGD: "Class C0". The isoleucine amino acid residue is found in multiple mammalian species, which suggests that this missense change does not adversely affect protein function. This variant has not been reported in the literature in individuals affected with MAG-related conditions. This variant is present in population databases (rs752322732, gnomAD 0.007%). This sequence change replaces valine, which is neutral and non-polar, with isoleucine, which is neutral and non-polar, at codon 134 of the MAG protein (p.Val134Ile).